The following is an entry in ClinVar:

NM_001194998.2(CEP152):c.815del (p.Gln272fs)

Gene: CEP152 (centrosomal protein 152; minus strand). Cytogenetic location: 15q21.1.
Variant type: Deletion.
Coding change: c.815del on transcript NM_001194998.2 (MANE Select); coding-DNA position 815, one base deleted (A; older notation c.815delA).
Protein change: p.Gln272fs; shifts the reading frame from glutamine 272.
Molecular consequence: frameshift variant.
Genome position (GRCh38, 1-based): chr15:48,793,338, T deleted on the plus strand (A on the coding strand, the reverse complement: CEP152 is on the minus strand). VCF-style (leftmost placement, unchanged base first): chr15-48793337-CT-C. GRCh37 (hg19) VCF-style: chr15-49085534-CT-C.
Other names: c.815del, p.Gln272fs (NM_014985.4); short protein forms Q272fs.
Identifiers: ClinVar variation 3637872 (VCV003637872.2).

ClinVar aggregate classification (germline): Pathogenic (1 of 4 stars; one submission).

Submission:

Labcorp Genetics (formerly Invitae), Labcorp
Classification: Pathogenic. Last evaluated: 2024-01-31. Review status: criteria provided, single submitter. Criteria: Invitae Variant Classification Sherloc (09022015). Collection method: clinical testing. Allele origin: germline.
Comment: This sequence change creates a premature translational stop signal (p.Gln272Argfs*3) in the CEP152 gene. It is expected to result in an absent or disrupted protein product. Loss-of-function variants in CEP152 are known to be pathogenic (PMID: 21131973). This variant is not present in population databases (gnomAD no frequency). This variant has not been reported in the literature in individuals affected with CEP152-related conditions. For these reasons, this variant has been classified as Pathogenic.

Literature cited by the submitters: PubMed 21131973.